The following is an entry in ClinVar:

NM_001290043.2(TAP2):c.1952G>T (p.Arg651Leu)

Gene: TAP2 (transporter 2, ATP binding cassette subfamily B member; minus strand). Cytogenetic location: 6p21.32.
Variant type: single nucleotide variant.
Coding change: c.1952G>T on transcript NM_001290043.2 (MANE Select); coding-DNA position 1952, G replaced by T.
Protein change: p.Arg651Leu; replaces arginine 651 with leucine.
Molecular consequence: missense variant. On other transcripts: intron variant (1).
Genome position (GRCh38, 1-based): chr6:32,829,015, C>A on the plus strand (G>T on the coding strand, the complement: TAP2 is on the minus strand). VCF-style: chr6-32829015-C-A. GRCh37 (hg19) VCF-style: chr6-32796792-C-A.
Other names: c.1952G>T, p.Arg651Leu (NM_000544.3); c.1932+385G>T (NM_018833.3); short protein forms R651L.
Identifiers: ClinVar variation 1042870 (VCV001042870.8), dbSNP rs183316663, ClinGen allele CA136997759.

ClinVar aggregate classification (germline): Uncertain significance (1 of 4 stars; one submission).

Conditions:
MHC class I deficiency. Identifiers: Orphanet 34592, MedGen C6024714, MONDO:0011476.

Allele frequency attached by ClinVar (database versions not stated): TOPMed 0.00001.
gnomAD v4.1: 2 of 1,550,236 alleles (0.00013%); highest among the groups gnomAD compares: African/African-American, 0.0027%; no homozygotes.

Submission:

Labcorp Genetics (formerly Invitae), Labcorp
Classification: Uncertain significance for MHC class I deficiency 1. Last evaluated: 2022-08-09. Review status: criteria provided, single submitter. Criteria: Invitae Variant Classification Sherloc (09022015). Collection method: clinical testing. Allele origin: germline.
Comment: This sequence change replaces arginine, which is basic and polar, with leucine, which is neutral and non-polar, at codon 651 of the TAP2 protein (p.Arg651Leu). The frequency data for this variant in the population databases is considered unreliable, as metrics indicate poor data quality at this position in the gnomAD database. ClinVar contains an entry for this variant (Variation ID: 1042870). Algorithms developed to predict the effect of missense changes on protein structure and function are either unavailable or do not agree on the potential impact of this missense change (SIFT: "Tolerated"; PolyPhen-2: "Not Available"; Align-GVGD: "Class C0"). In summary, the available evidence is currently insufficient to determine the role of this variant in disease. Therefore, it has been classified as a Variant of Uncertain Significance. This variant has not been reported in the literature in individuals affected with TAP2-related conditions.